The following is an entry in ClinVar:

ClinVar aggregate classification (germline): Conflicting classifications of pathogenicity. Review status: criteria provided, conflicting classifications (1 of 4 stars). 2 submissions from 2 submitters: Uncertain significance (1); Benign (1). Last evaluated 2025-11-08.

Conditions:
Tuberous sclerosis 2 (TSC2). Identifiers: Orphanet 805, MedGen C1860707, MONDO:0013199, OMIM 613254.
Hereditary cancer-predisposing syndrome. Also called: Tumor predisposition; Hereditary Cancer Syndrome; Hereditary neoplastic syndrome; Neoplastic Syndromes, Hereditary. Identifiers: Orphanet 140162, MedGen C0027672, MeSH D009386, MONDO:0015356.

Allele frequency attached by ClinVar (database versions not stated): gnomAD exomes below 0.00001.

Submissions (2):

Ambry Genetics
Classification: Uncertain significance for Hereditary cancer-predisposing syndrome. Last evaluated: 2025-11-08. Review status: criteria provided, single submitter. Criteria: Ambry Variant Classification Scheme 2023. Collection method: clinical testing. Allele origin: germline.
Comment: The p.I1357N variant (also known as c.4070T>A), located in coding exon 33 of the TSC2 gene, results from a T to A substitution at nucleotide position 4070. The isoleucine at codon 1357 is replaced by asparagine, an amino acid with dissimilar properties. This amino acid position is conserved. In addition, this alteration is predicted to be deleterious by in silico analysis. Since supporting evidence is limited at this time, the clinical significance of this alteration remains unclear.

Labcorp Genetics (formerly Invitae), Labcorp
Classification: Benign for Tuberous sclerosis 2. Last evaluated: 2025-10-06. Review status: criteria provided, single submitter. Criteria: Invitae Variant Classification Sherloc (09022015). Collection method: clinical testing. Allele origin: germline.

NM_000548.5(TSC2):c.4070T>A (p.Ile1357Asn)

Gene: TSC2 (TSC complex subunit 2; plus strand). Cytogenetic location: 16p13.3.
Variant type: single nucleotide variant.
Coding change: c.4070T>A on transcript NM_000548.5 (MANE Select); coding-DNA position 4070, T replaced by A.
Protein change: p.Ile1357Asn; replaces isoleucine 1357 with asparagine.
Molecular consequence: missense variant.
Genome position (GRCh38, 1-based): chr16:2,084,292, T>A. VCF-style: chr16-2084292-T-A. GRCh37 (hg19) VCF-style: chr16-2134293-T-A.
Other names: c.3869T>A, p.Ile1290Asn (NM_001077183.3); c.4001T>A, p.Ile1334Asn (NM_001114382.3); c.3761T>A, p.Ile1254Asn (NM_001318827.2); c.3725T>A, p.Ile1242Asn (NM_001318829.2); c.3338T>A, p.Ile1113Asn (NM_001318831.2); c.3902T>A, p.Ile1301Asn (NM_001318832.2); c.3872T>A, p.Ile1291Asn (NM_001363528.2); c.3938T>A, p.Ile1313Asn (NM_001370404.1); and 1 more; short protein forms I1357N, I1254N, I1242N, I1301N, I1314N, I1334N, I1113N, I1290N.
Identifiers: ClinVar variation 238042 (VCV000238042.11), dbSNP rs878854103, ClinGen allele CA10583331.